The following is an entry in ClinVar:

ClinVar aggregate classification (germline): Pathogenic (1 of 4 stars; one submission).

Conditions:
Neuronal ceroid lipofuscinosis 5 (CLN5). Also called: CEROID LIPOFUSCINOSIS, NEURONAL, 5, VARIABLE AGE AT ONSET; Neuronal ceroid lipofuscinosis Finnish variant; NEURONAL CEROID LIPOFUSCINOSIS, LATE INFANTILE, FINNISH VARIANT; CLN5-Related Neuronal Ceroid-Lipofuscinosis. Identifiers: Orphanet 168491, Orphanet 228360, MedGen C1850442, MONDO:0009745, OMIM 256731.

Submission:

Myriad Genetics, Inc.
Classification: Pathogenic for Neuronal ceroid lipofuscinosis 5. Last evaluated: 2026-05-08. Review status: criteria provided, single submitter. Criteria: Myriad Autosomal Dominant, Autosomal Recessive and X-Linked Classification Criteria (2023). Collection method: clinical testing. Allele origin: unknown.
Comment: NM_006493.2(CLN5):c.1015delA(R339Dfs*17) is a frameshift variant classified as pathogenic in the context of CLN5-related neuronal ceroid lipofuscinosis. R339Dfs*17 has not been observed in cases with relevant disease. Relevant functional assessments of this variant are not available in the literature. R339Dfs*17 has not been observed in referenced population frequency databases. In summary, NM_006493.2(CLN5):c.1015delA(R339Dfs*17) is a frameshift variant in a gene where loss of function is a known mechanism of disease and is predicted to disrupt protein function. Please note: this variant was assessed in the context of healthy population screening.

NM_006493.4(CLN5):c.868del (p.Arg290fs)

Gene: CLN5 (CLN5 lysosomal BMP synthase; plus strand). Cytogenetic location: 13q22.3.
Variant type: Deletion.
Coding change: c.868del on transcript NM_006493.4 (MANE Select); coding-DNA position 868, one base deleted (A; older notation c.868delA).
Protein change: p.Arg290fs; shifts the reading frame from arginine 290.
Molecular consequence: frameshift variant. On other transcripts: 3 prime UTR variant (1).
Genome position (GRCh38, 1-based): chr13:77,000,760, A deleted; the last of 5 consecutive A bases (chr13:77,000,756-77,000,760); deleting any one gives the same sequence. VCF-style (leftmost placement, unchanged base first): chr13-77000755-TA-T. GRCh37 (hg19) VCF-style: chr13-77574890-TA-T.
Other names: c.*317del (NM_001366624.2); short protein forms R290fs.
Identifiers: ClinVar variation 5003824 (VCV005003824.1).
Genomic context (GRCh38, chr13:77,000,755, plus strand): 5'-ATCTGGGAAATGAAACATCTGTTTTTGGGCCAACAGGAAACAAGACTCTTGGTTTAGCCA[TA>T]AAAAGATTTTATTACCCCTTCAAACCACATTTGCCAACTAAAGAATTTCTGTTGAGTCTC-3'